The following is an entry in ClinVar:

ClinVar aggregate classification (germline): Uncertain significance (1 of 4 stars; one submission).

Submission:

Women's Health and Genetics/Laboratory Corporation of America, LabCorp
Classification: Uncertain significance. Last evaluated: 2025-12-01. Review status: criteria provided, single submitter. Criteria: LabCorp Variant Classification Summary - May 2015. Collection method: clinical testing. Allele origin: germline.
Comment: Variant summary: HERC2 c.7912C>G (p.His2638Asp) results in a non-conservative amino acid change in the encoded protein sequence. Algorithms developed to predict the effect of missense changes on protein structure and function are either unavailable or do not agree on the potential impact of this missense change. The variant was absent in 251302 control chromosomes. The available data on variant occurrences in the general population are insufficient to allow any conclusion about variant significance. To our knowledge, no occurrence of c.7912C>G in individuals affected with HERC2-related conditions and no experimental evidence demonstrating its impact on protein function have been reported. No submitters have cited clinical-significance assessments for this variant to ClinVar. Based on the evidence outlined above, the variant was classified as uncertain significance.

NM_004667.6(HERC2):c.7912C>G (p.His2638Asp)

Gene: HERC2 (HECT and RLD domain containing E3 ubiquitin protein ligase 2; minus strand). Cytogenetic location: 15q13.1.
Variant type: single nucleotide variant.
Coding change: c.7912C>G on transcript NM_004667.6 (MANE Select); coding-DNA position 7912, C replaced by G.
Protein change: p.His2638Asp; replaces histidine 2638 with aspartic acid.
Molecular consequence: missense variant.
Genome position (GRCh38, 1-based): chr15:28,198,477, G>C on the plus strand (C>G on the coding strand, the complement: HERC2 is on the minus strand). VCF-style: chr15-28198477-G-C. GRCh37 (hg19) VCF-style: chr15-28443623-G-C.
Other names: short protein forms H2638D.
Identifiers: ClinVar variation 4688701 (VCV004688701.1).
Genomic context (GRCh38, chr15:28,198,477, plus strand): 5'-ATTTGTATTTTGGTGTGGTGACAGAGGCTTTGACCCGCACTTTATCACCAATCTTGATGT[G>C]AGAAGAAGAACTTGGTGGAGGATAGCCTACAGATGTCAATAACAAATCATTATAATCAAT-3'
Protein context (NP_004658.3, residues 2628-2648): IGYPPPSSSS[His2638Asp]IKIGDKVRVK